The following is an entry in ClinVar:

ClinVar aggregate classification (germline): Benign. Review status: criteria provided, multiple submitters, no conflicts (2 of 4 stars). 3 submissions from 3 submitters: Benign (2). 1 of the submissions does not count toward it. Last evaluated 2026-01-25.

Conditions:
DSG1-related disorder. Also called: DSG1-related condition.

Allele frequency attached by ClinVar (database versions not stated): gnomAD exomes 0.00152; ExAC 0.00194; gnomAD 0.00485 and 0.00522; ESP Exome Variant Server 0.00561; TOPMed 0.00576; 1000 Genomes Project 0.00659; 1000 Genomes Project 30x 0.00796.
gnomAD v4.1: 1,517 of 1,604,210 alleles (0.095%); highest among the groups gnomAD compares: African/African-American, 1.7%; 13 homozygotes.

Submissions (3):

Labcorp Genetics (formerly Invitae), Labcorp
Classification: Benign. Last evaluated: 2026-01-25. Review status: criteria provided, single submitter. Criteria: Invitae Variant Classification Sherloc (09022015). Collection method: clinical testing. Allele origin: germline.

Breakthrough Genomics
Classification: Benign. Review status: criteria provided, single submitter. Criteria: ACMG Guidelines, 2015. Collection method: not provided. Allele origin: germline. Inheritance: Autosomal recessive inheritance. Affected: yes.

PreventionGenetics, part of Exact Sciences
Classification: Benign for DSG1-related condition. Last evaluated: 2024-02-01. Review status: no assertion criteria provided. Collection method: clinical testing. Allele origin: germline. Not counted in ClinVar's aggregate classification.
Comment: This variant is classified as benign based on ACMG/AMP sequence variant interpretation guidelines (Richards et al. 2015 PMID: 25741868, with internal and published modifications).

NM_001942.4(DSG1):c.3023G>A (p.Gly1008Glu)

Genes: DSG1 (desmoglein 1; plus strand), DSG1-AS1 (DSG1 antisense RNA 1; minus strand). Cytogenetic location: 18q12.1.
Variant type: single nucleotide variant.
Coding change: c.3023G>A on transcript NM_001942.4 (MANE Select); coding-DNA position 3023, G replaced by A.
Protein change: p.Gly1008Glu; replaces glycine 1008 with glutamic acid.
Molecular consequence: missense variant.
Genome position (GRCh38, 1-based): chr18:31,355,219, G>A. VCF-style: chr18-31355219-G-A. GRCh37 (hg19) VCF-style: chr18-28935182-G-A.
Other names: short protein forms G1008E.
Identifiers: ClinVar variation 710121 (VCV000710121.11), dbSNP rs142678838, ClinGen allele CA8926502.